The following is an entry in ClinVar:

ClinVar aggregate classification (germline): Uncertain significance (1 of 4 stars; one submission).

Conditions:
Ullrich congenital muscular dystrophy 2 (UCMD2). Identifiers: Orphanet 75840, MedGen C4225314, MONDO:0014654, OMIM 616470.
Bethlem myopathy 2 (BTHLM2). Identifiers: Orphanet 536516, Orphanet 610, MedGen C4225313, MONDO:0034022, OMIM 616471.

Submission:

Labcorp Genetics (formerly Invitae), Labcorp
Classification: Uncertain significance for Bethlem myopathy 2; Ullrich congenital muscular dystrophy 2. Last evaluated: 2024-01-30. Review status: criteria provided, single submitter. Criteria: Invitae Variant Classification Sherloc (09022015). Collection method: clinical testing. Allele origin: germline.
Comment: This sequence change replaces isoleucine, which is neutral and non-polar, with leucine, which is neutral and non-polar, at codon 247 of the COL12A1 protein (p.Ile247Leu). This variant is not present in population databases (gnomAD no frequency). This variant has not been reported in the literature in individuals affected with COL12A1-related conditions. Advanced modeling of protein sequence and biophysical properties (such as structural, functional, and spatial information, amino acid conservation, physicochemical variation, residue mobility, and thermodynamic stability) performed at Invitae indicates that this missense variant is not expected to disrupt COL12A1 protein function with a negative predictive value of 80%. In summary, the available evidence is currently insufficient to determine the role of this variant in disease. Therefore, it has been classified as a Variant of Uncertain Significance.

NM_004370.6(COL12A1):c.739A>C (p.Ile247Leu)

Gene: COL12A1 (collagen type XII alpha 1 chain; minus strand). Cytogenetic location: 6q13.
Variant type: single nucleotide variant.
Coding change: c.739A>C on transcript NM_004370.6 (MANE Select); coding-DNA position 739, A replaced by C.
Protein change: p.Ile247Leu; replaces isoleucine 247 with leucine.
Molecular consequence: missense variant. On other transcripts: intron variant (2).
Genome position (GRCh38, 1-based): chr6:75,189,301, T>G on the plus strand (A>C on the coding strand, the complement: COL12A1 is on the minus strand). VCF-style: chr6-75189301-T-G. GRCh37 (hg19) VCF-style: chr6-75899017-T-G.
Other names: c.739A>C, p.Ile247Leu (NM_001424113.1, NM_001424114.1, NM_001424115.1); c.73+13419A>C (NM_001424116.1, NM_080645.3); short protein forms I247L.
Identifiers: ClinVar variation 2936910 (VCV002936910.3), dbSNP rs752032668, ClinGen allele CA364727960.